The following is an entry in ClinVar:

ClinVar aggregate classification (germline): Pathogenic (1 of 4 stars; one submission).

Submission:

GeneDx
Classification: Pathogenic. Last evaluated: 2024-01-24. Review status: criteria provided, single submitter. Criteria: GeneDx Variant Classification Process June 2021. Collection method: clinical testing. Allele origin: germline. Affected: yes.
Comment: Nonsense variant predicted to result in protein truncation or nonsense mediated decay in a gene for which loss of function is a known mechanism of disease; Not observed at significant frequency in large population cohorts (gnomAD); This variant is associated with the following publications: (PMID: 35982159)

NM_015057.5(MYCBP2):c.12463C>T (p.Arg4155Ter)

Gene: MYCBP2 (MYC binding protein 2; minus strand). Cytogenetic location: 13q22.3.
Variant type: single nucleotide variant.
Coding change: c.12463C>T on transcript NM_015057.5 (MANE Select); coding-DNA position 12463, C replaced by T.
Protein change: p.Arg4155Ter; replaces arginine 4155 with a stop codon.
Molecular consequence: nonsense.
Genome position (GRCh38, 1-based): chr13:77,066,081, G>A on the plus strand (C>T on the coding strand, the complement: MYCBP2 is on the minus strand). VCF-style: chr13-77066081-G-A. GRCh37 (hg19) VCF-style: chr13-77640216-G-A.
Other names: short protein forms R4155*.
Identifiers: ClinVar variation 3368075 (VCV003368075.1).